The following is an entry in ClinVar:

ClinVar aggregate classification (germline): Benign. Review status: criteria provided, multiple submitters, no conflicts (2 of 4 stars). 5 submissions from 3 submitters: Benign (2). 3 of the submissions do not count toward it. Last evaluated 2016-03-28.

Conditions:
Lupus nephritis, susceptibility to.
Pseudomonas aeruginosa, susceptibility to chronic infection by, in cystic fibrosis.
Malaria, severe, susceptibility to. Identifiers: MedGen C1970029.

Allele frequency attached by ClinVar (database versions not stated): 1000 Genomes Project 0.44169; 1000 Genomes Project 30x 0.44941; ExAC 0.47910; gnomAD 0.50331 and 0.50935; TOPMed 0.50769.

Submissions (5):

Laboratory for Molecular Medicine, Mass General Brigham Personalized Medicine
Classification: Benign. Last evaluated: 2016-03-28. Review status: criteria provided, single submitter. Criteria: LMM Criteria. Collection method: clinical testing. Allele origin: germline.
Comment: Variant identified in a genome or exome case(s) and assessed due to predicted null impact of the variant or pathogenic assertions in the literature or databases. Disclaimer: This variant has not undergone full assessment. The following are preliminary notes: Variant reported as a risk factor for lupus nephritis, severe malaria, p. aeurginosa infection, and reduced risk for ulcerative colitis - questionable and unrelated to patient disease.

Breakthrough Genomics
Classification: Benign. Review status: criteria provided, single submitter. Criteria: ACMG Guidelines, 2015. Collection method: not provided. Allele origin: germline. Inheritance: Autosomal recessive inheritance. Affected: yes.

OMIM
Classification: risk factor for LUPUS NEPHRITIS, SUSCEPTIBILITY TO. Last evaluated: 2010-07-01. Review status: no assertion criteria provided. Collection method: literature only. Allele origin: germline. Not counted in ClinVar's aggregate classification.

OMIM
Classification: risk factor for PSEUDOMONAS AERUGINOSA, SUSCEPTIBILITY TO CHRONIC INFECTION BY, IN CYSTIC FIBROSIS. Last evaluated: 2010-07-01. Review status: no assertion criteria provided. Collection method: literature only. Allele origin: germline. Not counted in ClinVar's aggregate classification.

OMIM
Classification: risk factor for MALARIA, SEVERE, SUSCEPTIBILITY TO. Last evaluated: 2010-07-01. Review status: no assertion criteria provided. Collection method: literature only. Allele origin: germline. Not counted in ClinVar's aggregate classification.

Literature cited by the submitters: PubMed 10675363 (cited by OMIM); PubMed 8636449 (cited by OMIM); PubMed 9843982 (cited by OMIM); PubMed 15367919 (cited by OMIM); PubMed 19915573 (cited by OMIM); PubMed 19965803 (cited by OMIM).

NM_001136219.3(FCGR2A):c.500A>G (p.His167Arg)

Gene: FCGR2A (Fc gamma receptor IIa; plus strand). Cytogenetic location: 1q23.3.
Variant type: single nucleotide variant.
Coding change: c.500A>G on transcript NM_001136219.3 (MANE Select); coding-DNA position 500, A replaced by G.
Protein change: p.His167Arg; replaces histidine 167 with arginine.
Molecular consequence: missense variant.
Genome position (GRCh38, 1-based): chr1:161,509,955, A>G. VCF-style: chr1-161509955-A-G. GRCh37 (hg19) VCF-style: chr1-161479745-A-G.
Other names: R131H; c.500A>G, p.His167Arg (NM_001375296.1); c.497A>G, p.His166Arg (NM_001375297.1, NM_021642.5); short protein forms H166R, H167R.
Identifiers: ClinVar variation 14823 (VCV000014823.8), dbSNP rs1801274, ClinGen allele CA124361.
Genomic context (GRCh38, chr1:161,509,955, plus strand): 5'-AGGACAAGCCTCTGGTCAAGGTCACATTCTTCCAGAATGGAAAATCCCAGAAATTCTCCC[A>G]TTTGGATCCCACCTTCTCCATCCCACAAGCAAACCACAGTCACAGTGGTGATTACCACTG-3'
Protein context (NP_001129691.1, residues 157-177): FQNGKSQKFS[His167Arg]LDPTFSIPQA